The following is an entry in ClinVar:

NM_000540.3(RYR1):c.10441-11C>T

Gene: RYR1 (ryanodine receptor 1; plus strand). Cytogenetic location: 19q13.2.
Variant type: single nucleotide variant.
Coding change: c.10441-11C>T on transcript NM_000540.3 (MANE Select); 11 bases into the intron before coding-DNA position 10441, C replaced by T.
Molecular consequence: intron variant.
Genome position (GRCh38, 1-based): chr19:38,523,904, C>T. VCF-style: chr19-38523904-C-T. GRCh37 (hg19) VCF-style: chr19-39014544-C-T.
Other names: c.10440+595C>T (NM_001042723.2).
Identifiers: ClinVar variation 2920352 (VCV002920352.6), dbSNP rs761329807, ClinGen allele CA053521.

ClinVar aggregate classification (germline): Likely benign. Review status: criteria provided, multiple submitters, no conflicts (2 of 4 stars). 4 submissions from 4 submitters: Likely benign (4). Last evaluated 2025-09-10.

Conditions:
RYR1-related disorder. Also called: RYR1-related disorders; RYR1-related condition. Identifiers: MedGen CN239331.
Malignant hyperthermia, susceptibility to, 1 (MHS1). Also called: Anesthesia related hyperthermia; Malignant hyperpyrexia; Fulminating hyperpyrexia; Pharmacogenic myopathy; RYR1-Related Malignant Hyperthermia Susceptibility; Malignant hyperthermia suceptibility 1. Identifiers: Orphanet 423, MedGen C2930980, MONDO:0007783, OMIM 145600.

Allele frequency attached by ClinVar (database versions not stated): TOPMed 0.00001; gnomAD exomes 0.00002; ExAC 0.00003.
gnomAD v4.1: 23 of 1,613,998 alleles (0.0014%); highest among the groups gnomAD compares: Non-Finnish European, 0.0018%; no homozygotes.

Submissions (4):

Labcorp Genetics (formerly Invitae), Labcorp
Classification: Likely benign for RYR1-related disorder. Last evaluated: 2025-09-10. Review status: criteria provided, single submitter. Criteria: Invitae Variant Classification Sherloc (09022015). Collection method: clinical testing. Allele origin: germline.

All of Us Research Program, National Institutes of Health
Classification: Likely benign for Malignant hyperthermia, susceptibility to, 1. Last evaluated: 2023-12-13. Review status: criteria provided, single submitter. Criteria: ACMG Guidelines, 2015. Collection method: clinical testing. Allele origin: germline. Inheritance: Autosomal dominant inheritance. Observed: 3 variant alleles, 3 heterozygotes.
Comment: This study involves interpretation of variants in research participants for the purpose of population health screening. Participant phenotype was not available at the time of variant classification. Additional details can be found in publication PMID: 35346344, PMCID: PMC8962531

Blueprint Genetics
Classification: Likely benign. Last evaluated: 2023-09-26. Review status: criteria provided, single submitter. Criteria: ACMG Guidelines, 2015. Collection method: clinical testing. Allele origin: germline.

Color Diagnostics, LLC DBA Color Health
Classification: Likely benign for Malignant hyperthermia, susceptibility to, 1. Last evaluated: 2022-12-07. Review status: criteria provided, single submitter. Criteria: ACMG Guidelines, 2015. Collection method: clinical testing. Allele origin: germline.